The following is an entry in ClinVar:

NM_000153.4(GALC):c.1072C>G (p.Leu358Val)

Gene: GALC (galactosylceramidase; minus strand). Cytogenetic location: 14q31.3.
Variant type: single nucleotide variant.
Coding change: c.1072C>G on transcript NM_000153.4 (MANE Select); coding-DNA position 1072, C replaced by G.
Protein change: p.Leu358Val; replaces leucine 358 with valine.
Molecular consequence: missense variant.
Genome position (GRCh38, 1-based): chr14:87,963,473, G>C on the plus strand (C>G on the coding strand, the complement: GALC is on the minus strand). VCF-style: chr14-87963473-G-C. GRCh37 (hg19) VCF-style: chr14-88429817-G-C.
Other names: c.1003C>G, p.Leu335Val (NM_001201401.2); c.994C>G, p.Leu332Val (NM_001201402.2); short protein forms L335V, L332V, L358V.
Identifiers: ClinVar variation 2193828 (VCV002193828.4), dbSNP rs74073730, ClinGen allele CA390747303.

ClinVar aggregate classification (germline): Uncertain significance (1 of 4 stars; one submission).

Conditions:
Galactosylceramide beta-galactosidase deficiency. Also called: Leukodystrophy, Globoid Cell; GALACTOCEREBROSIDASE DEFICIENCY; GALC DEFICIENCY; GLOBOID CELL LEUKOENCEPHALOPATHY; Krabbe Disease. Identifiers: Orphanet 487, MedGen C0023521, MONDO:0009499, OMIM 245200.

gnomAD v4.1: 2 of 1,612,990 alleles (0.00012%); highest among the groups gnomAD compares: Admixed American, 0.0033%; no homozygotes.

Submission:

Labcorp Genetics (formerly Invitae), Labcorp
Classification: Uncertain significance for Galactosylceramide beta-galactosidase deficiency. Last evaluated: 2024-03-21. Review status: criteria provided, single submitter. Criteria: Invitae Variant Classification Sherloc (09022015). Collection method: clinical testing. Allele origin: germline.
Comment: This sequence change replaces leucine, which is neutral and non-polar, with valine, which is neutral and non-polar, at codon 358 of the GALC protein (p.Leu358Val). This variant is present in population databases (no rsID available, gnomAD 0.006%). This variant has not been reported in the literature in individuals affected with GALC-related conditions. ClinVar contains an entry for this variant (Variation ID: 2193828). Advanced modeling of protein sequence and biophysical properties (such as structural, functional, and spatial information, amino acid conservation, physicochemical variation, residue mobility, and thermodynamic stability) performed at Invitae indicates that this missense variant is expected to disrupt GALC protein function with a positive predictive value of 95%. In summary, the available evidence is currently insufficient to determine the role of this variant in disease. Therefore, it has been classified as a Variant of Uncertain Significance.